The following is an entry in ClinVar:

NM_152641.4(ARID2):c.1847C>T (p.Pro616Leu)

Gene: ARID2 (AT-rich interaction domain 2; plus strand). Cytogenetic location: 12q12.
Variant type: single nucleotide variant.
Coding change: c.1847C>T on transcript NM_152641.4 (MANE Select); coding-DNA position 1847, C replaced by T.
Protein change: p.Pro616Leu; replaces proline 616 with leucine.
Molecular consequence: missense variant.
Genome position (GRCh38, 1-based): chr12:45,849,711, C>T. VCF-style: chr12-45849711-C-T. GRCh37 (hg19) VCF-style: chr12-46243494-C-T.
Other names: c.1847C>T, p.Pro616Leu (NM_001347839.2); short protein forms P616L.
Identifiers: ClinVar variation 4538893 (VCV004538893.1).

ClinVar aggregate classification (germline): Uncertain significance (1 of 4 stars; one submission).

gnomAD v4.1: 1 of 1,613,820 alleles (0.000062%); highest among the groups gnomAD compares: South Asian, 0.0011%; no homozygotes.

Submission:

GeneDx
Classification: Uncertain significance. Last evaluated: 2025-06-18. Review status: criteria provided, single submitter. Criteria: GeneDx Variant Classification Process June 2021. Collection method: clinical testing. Allele origin: germline. Affected: yes.
Comment: Not observed at significant frequency in large population cohorts (gnomAD); In silico analysis suggests that this missense variant does not alter protein structure/function; Has not been previously published as pathogenic or benign to our knowledge